The following is an entry in ClinVar:

NM_001127178.3(PIGG):c.686G>A (p.Ser229Asn)

Gene: PIGG (phosphatidylinositol glycan anchor biosynthesis class G (EMM blood group); plus strand). Cytogenetic location: 4p16.3.
Variant type: single nucleotide variant.
Coding change: c.686G>A on transcript NM_001127178.3 (MANE Select); coding-DNA position 686, G replaced by A.
Protein change: p.Ser229Asn; replaces serine 229 with asparagine.
Molecular consequence: missense variant. On other transcripts: 5 prime UTR variant (4), non-coding transcript variant (10), intron variant (1).
Genome position (GRCh38, 1-based): chr4:507,520, G>A. VCF-style: chr4-507520-G-A. GRCh37 (hg19) VCF-style: chr4-501309-G-A.
Other names: p.Ser229Asn; c.419G>A, p.Ser140Asn (NM_001289051.2, NM_001289053.2, NM_001289057.2 and 2 more transcripts); c.320G>A, p.Ser107Asn (NM_001289055.2); c.-202G>A (NM_001345988.2); c.686G>A, p.Ser229Asn (NM_001345989.2, NM_017733.5); c.-940G>A (NM_001345990.2); c.-802G>A (NM_001345991.2); c.-527G>A (NM_001345994.2); and 2 more; short protein forms S107N, S229N, S140N.
Identifiers: ClinVar variation 965011 (VCV000965011.10), dbSNP rs782638280, ClinGen allele CA2793059.

ClinVar aggregate classification (germline): Uncertain significance. Review status: criteria provided, multiple submitters, no conflicts (2 of 4 stars). 4 submissions from 4 submitters: Uncertain significance (4). Last evaluated 2024-08-09.

Conditions:
Intellectual disability, autosomal recessive 53 (NEDHSCA). Also called: NEURODEVELOPMENTAL DISORDER WITH OR WITHOUT HYPOTONIA, SEIZURES, AND CEREBELLAR ATROPHY; GLYCOSYLPHOSPHATIDYLINOSITOL BIOSYNTHESIS DEFECT 13; Mental retardation, autosomal recessive 53. Identifiers: Orphanet 488635, MedGen C4310794, MONDO:0014832, OMIM 616917.
Inborn genetic diseases. Identifiers: MedGen C0950123, MeSH D030342.

Allele frequency attached by ClinVar (database versions not stated): gnomAD exomes below 0.00001; ExAC 0.00001; gnomAD 0.00003 and 0.00004; TOPMed 0.00003.
gnomAD v4.1: 7 of 1,614,010 alleles (0.00043%); highest among the groups gnomAD compares: African/African-American, 0.0093%; no homozygotes.

Submissions (4):

GeneDx
Classification: Uncertain significance. Last evaluated: 2024-08-09. Review status: criteria provided, single submitter. Criteria: GeneDx Variant Classification Process June 2021. Collection method: clinical testing. Allele origin: germline. Affected: yes.
Comment: Not observed at significant frequency in large population cohorts (gnomAD); In silico analysis supports that this missense variant has a deleterious effect on protein structure/function; Has not been previously published as pathogenic or benign to our knowledge

Ambry Genetics
Classification: Uncertain significance for Inborn genetic diseases. Last evaluated: 2023-12-08. Review status: criteria provided, single submitter. Criteria: Ambry Variant Classification Scheme 2023. Collection method: clinical testing. Allele origin: germline.

Mayo Clinic Laboratories, Mayo Clinic
Classification: Uncertain significance. Last evaluated: 2022-08-04. Review status: criteria provided, single submitter. Criteria: ACMG Guidelines, 2015. Collection method: clinical testing. Allele origin: germline. Observed: 1 variant allele.
Comment: PM2

Labcorp Genetics (formerly Invitae), Labcorp
Classification: Uncertain significance for Intellectual disability, autosomal recessive 53. Last evaluated: 2022-02-04. Review status: criteria provided, single submitter. Criteria: Invitae Variant Classification Sherloc (09022015). Collection method: clinical testing. Allele origin: germline.
Comment: This sequence change replaces serine, which is neutral and polar, with asparagine, which is neutral and polar, at codon 229 of the PIGG protein (p.Ser229Asn). This variant is present in population databases (rs782638280, gnomAD 0.01%). This variant has not been reported in the literature in individuals affected with PIGG-related conditions. ClinVar contains an entry for this variant (Variation ID: 965011). Algorithms developed to predict the effect of missense changes on protein structure and function are either unavailable or do not agree on the potential impact of this missense change (SIFT: "Tolerated"; PolyPhen-2: "Probably Damaging"; Align-GVGD: "Class C0"). In summary, the available evidence is currently insufficient to determine the role of this variant in disease. Therefore, it has been classified as a Variant of Uncertain Significance.